The following is an entry in ClinVar:

ClinVar aggregate classification (germline): Uncertain significance. Review status: criteria provided, multiple submitters, no conflicts (2 of 4 stars). 2 submissions from 2 submitters: Uncertain significance (2). Last evaluated 2023-12-17.

Conditions:
Hereditary cancer-predisposing syndrome. Also called: Hereditary neoplastic syndrome; Neoplastic Syndromes, Hereditary; Tumor predisposition; Hereditary Cancer Syndrome. Identifiers: Orphanet 140162, MedGen C0027672, MeSH D009386, MONDO:0015356.
Fanconi anemia complementation group J. Also called: BRIP1-Related Fanconi Anemia. Identifiers: Orphanet 84, MedGen C1836860, MONDO:0012187, OMIM 609054.
Familial cancer of breast. Also called: BREAST CANCER, FAMILIAL; Hereditary breast cancer; hereditary breast carcinoma. Identifiers: Orphanet 227535, MedGen C0346153, MONDO:0016419, OMIM 114480. Disease mechanism: loss of function.

Submissions (2):

Labcorp Genetics (formerly Invitae), Labcorp
Classification: Uncertain significance for Familial cancer of breast; Fanconi anemia complementation group J. Last evaluated: 2023-12-17. Review status: criteria provided, single submitter. Criteria: Invitae Variant Classification Sherloc (09022015). Collection method: clinical testing. Allele origin: germline.
Comment: This sequence change replaces glycine, which is neutral and non-polar, with arginine, which is basic and polar, at codon 190 of the BRIP1 protein (p.Gly190Arg). This variant is not present in population databases (gnomAD no frequency). This variant has not been reported in the literature in individuals affected with BRIP1-related conditions. Advanced modeling of protein sequence and biophysical properties (such as structural, functional, and spatial information, amino acid conservation, physicochemical variation, residue mobility, and thermodynamic stability) performed at Invitae indicates that this missense variant is not expected to disrupt BRIP1 protein function with a negative predictive value of 80%. In summary, the available evidence is currently insufficient to determine the role of this variant in disease. Therefore, it has been classified as a Variant of Uncertain Significance.

Ambry Genetics
Classification: Uncertain significance for Hereditary cancer-predisposing syndrome. Last evaluated: 2023-12-07. Review status: criteria provided, single submitter. Criteria: Ambry Variant Classification Scheme 2023. Collection method: clinical testing. Allele origin: germline.
Comment: The p.G190R variant (also known as c.568G>A), located in coding exon 5 of the BRIP1 gene, results from a G to A substitution at nucleotide position 568. The glycine at codon 190 is replaced by arginine, an amino acid with dissimilar properties. This amino acid position is conserved. In addition, this alteration is predicted to be tolerated by in silico analysis. Since supporting evidence is limited at this time, the clinical significance of this alteration remains unclear.

NM_032043.3(BRIP1):c.568G>A (p.Gly190Arg)

Gene: BRIP1 (BRCA1 interacting DNA helicase 1; minus strand). Cytogenetic location: 17q23.2.
Variant type: single nucleotide variant.
Coding change: c.568G>A on transcript NM_032043.3 (MANE Select); coding-DNA position 568, G replaced by A.
Protein change: p.Gly190Arg; replaces glycine 190 with arginine.
Molecular consequence: missense variant.
Genome position (GRCh38, 1-based): chr17:61,847,160, C>T on the plus strand (G>A on the coding strand, the complement: BRIP1 is on the minus strand). VCF-style: chr17-61847160-C-T. GRCh37 (hg19) VCF-style: chr17-59924521-C-T.
Other names: short protein forms G190R.
Identifiers: ClinVar variation 2945657 (VCV002945657.4), dbSNP rs2145743494, ClinGen allele CA400483076.